The following is an entry in ClinVar:

NM_006766.5(KAT6A):c.5467C>G (p.Leu1823Val)

Gene: KAT6A (lysine acetyltransferase 6A; minus strand). Cytogenetic location: 8p11.21.
Variant type: single nucleotide variant.
Coding change: c.5467C>G on transcript NM_006766.5 (MANE Select); coding-DNA position 5467, C replaced by G.
Protein change: p.Leu1823Val; replaces leucine 1823 with valine.
Molecular consequence: missense variant.
Genome position (GRCh38, 1-based): chr8:41,932,753, G>C on the plus strand (C>G on the coding strand, the complement: KAT6A is on the minus strand). VCF-style: chr8-41932753-G-C. GRCh37 (hg19) VCF-style: chr8-41790271-G-C.
Other names: short protein forms L1823V.
Identifiers: ClinVar variation 4747352 (VCV004747352.1).

ClinVar aggregate classification (germline): Uncertain significance (1 of 4 stars; one submission).

gnomAD v4.1: 2 of 1,614,240 alleles (0.00012%); highest among the groups gnomAD compares: Non-Finnish European, 0.00017%; no homozygotes.

Submission:

Labcorp Genetics (formerly Invitae), Labcorp
Classification: Uncertain significance. Last evaluated: 2025-03-23. Review status: criteria provided, single submitter. Criteria: Invitae Variant Classification Sherloc (09022015). Collection method: clinical testing. Allele origin: germline.
Comment: This sequence change replaces leucine, which is neutral and non-polar, with valine, which is neutral and non-polar, at codon 1823 of the KAT6A protein (p.Leu1823Val). This variant is not present in population databases (gnomAD no frequency). This variant has not been reported in the literature in individuals affected with KAT6A-related conditions. Invitae Evidence Modeling of protein sequence and biophysical properties (such as structural, functional, and spatial information, amino acid conservation, physicochemical variation, residue mobility, and thermodynamic stability) indicates that this missense variant is not expected to disrupt KAT6A protein function with a negative predictive value of 95%. In summary, the available evidence is currently insufficient to determine the role of this variant in disease. Therefore, it has been classified as a Variant of Uncertain Significance.